The following is an entry in ClinVar:

ClinVar aggregate classification (germline): Uncertain significance (1 of 4 stars; one submission).

Submission:

Labcorp Genetics (formerly Invitae), Labcorp
Classification: Uncertain significance. Last evaluated: 2021-12-07. Review status: criteria provided, single submitter. Criteria: Invitae Variant Classification Sherloc (09022015). Collection method: clinical testing. Allele origin: germline.
Comment: This sequence change replaces glutamine, which is neutral and polar, with histidine, which is basic and polar, at codon 354 of the CFI protein (p.Gln354His). This variant is not present in population databases (gnomAD no frequency). This variant has not been reported in the literature in individuals affected with CFI-related conditions. Advanced modeling of protein sequence and biophysical properties (such as structural, functional, and spatial information, amino acid conservation, physicochemical variation, residue mobility, and thermodynamic stability) performed at Invitae indicates that this missense variant is not expected to disrupt CFI protein function. In summary, the available evidence is currently insufficient to determine the role of this variant in disease. Therefore, it has been classified as a Variant of Uncertain Significance.

NM_000204.5(CFI):c.1062G>T (p.Gln354His)

Gene: CFI (complement factor I; minus strand). Cytogenetic location: 4q25.
Variant type: single nucleotide variant.
Coding change: c.1062G>T on transcript NM_000204.5 (MANE Select); coding-DNA position 1062, G replaced by T.
Protein change: p.Gln354His; replaces glutamine 354 with histidine.
Molecular consequence: missense variant. On other transcripts: non-coding transcript variant (3).
Genome position (GRCh38, 1-based): chr4:109,749,304, C>A on the plus strand (G>T on the coding strand, the complement: CFI is on the minus strand). VCF-style: chr4-109749304-C-A. GRCh37 (hg19) VCF-style: chr4-110670460-C-A.
Other names: c.1086G>T, p.Gln362His (NM_001318057.2, NM_001375278.1); c.1041G>T, p.Gln347His (NM_001331035.2, NM_001375280.1, NM_001375282.1); c.1062G>T, p.Gln354His (NM_001375279.1, NM_001375281.1); c.1005G>T, p.Gln335His (NM_001375283.1); c.453G>T, p.Gln151His (NM_001375284.1); short protein forms Q151H, Q347H, Q362H, Q335H, Q354H.
Identifiers: ClinVar variation 2037086 (VCV002037086.4), dbSNP rs2126191068, ClinGen allele CA357858846.